The following is an entry in ClinVar:

NM_000642.3(AGL):c.991C>T (p.Gln331Ter)

Gene: AGL (amylo-alpha-1,6-glucosidase and 4-alpha-glucanotransferase; plus strand). Cytogenetic location: 1p21.2.
Variant type: single nucleotide variant.
Coding change: c.991C>T on transcript NM_000642.3 (MANE Select); coding-DNA position 991, C replaced by T.
Protein change: p.Gln331Ter; replaces glutamine 331 with a stop codon.
Molecular consequence: nonsense.
Genome position (GRCh38, 1-based): chr1:99,874,719, C>T. VCF-style: chr1-99874719-C-T. GRCh37 (hg19) VCF-style: chr1-100340275-C-T.
Other names: c.991C>T, p.Gln331Ter (NM_000028.3, NM_000643.3, NM_000644.3 and 3 more transcripts); c.943C>T, p.Gln315Ter (NM_000646.3); c.787C>T, p.Gln263Ter (NM_001425328.1, NM_001425329.1); c.613C>T, p.Gln205Ter (NM_001425332.1); short protein forms Q315*, Q331*, Q205*, Q263*.
Identifiers: ClinVar variation 984153 (VCV000984153.3), dbSNP rs1651353836, ClinGen allele CA341343020.

ClinVar aggregate classification (germline): Likely pathogenic (1 of 4 stars; one submission).

Conditions:
Glycogen storage disease type III (GSD3). Also called: Cori disease; FORBES DISEASE. Identifiers: Orphanet 366, MedGen C0017922, MONDO:0009291, OMIM 232400.

Submission:

Myriad Genetics, Inc.
Classification: Likely pathogenic for Glycogen storage disease type III. Last evaluated: 2019-03-31. Review status: criteria provided, single submitter. Criteria: Myriad Women's Health Autosomal Recessive and X-Linked Classification Criteria (2019). Collection method: clinical testing. Allele origin: unknown.
Comment: NM_000642.2(AGL):c.991C>T(Q331*) is expected to be pathogenic in the context of glycogen storage disease type III. This variant is predicted to lead to an abnormal or absent protein product due to the creation of a premature termination codon in AGL, a gene where loss-of-function variants are known to be pathogenic. Please note: this variant was assessed in the context of healthy population screening.